The following is an entry in ClinVar:

ClinVar aggregate classification (germline): Pathogenic (0 of 4 stars; one submission).

Conditions:
Syndromic intellectual disability. Also called: Intellectual disability syndrome. Identifiers: Orphanet 183763, MedGen C5680525, MONDO:0000508.

Submission:

Hunan Provincial Maternal and Child Health Care Hospital
Classification: Pathogenic for intellectual disability syndrome. Review status: no assertion criteria provided. Collection method: clinical testing. Allele origin: inherited. Inheritance: Autosomal recessive inheritance. Affected: yes. Observed: 1 compound heterozygote.
Comment: Compound heterozygosity variants(NM_005481.3, c.385dup & c.932T>C) in MED16 are identified from siblings with syndromic intellectual disability. The allele frequency of the p.(Asp129GlyfsTer288) variant is 3.42×10-6, while the missense p.(Leu311Pro) variant is absent from gnomAD (Karczewski et al., 2020), and the affected residue is evolutionarily conserved (Figures 2A). Multiple in silico prediction programs (see Methods) predict that this missense change has a pathogenic effect on MED16, including a Alphamissense pathogenecity score (Cheng et al., 2023) of 0.999. No other variants in known or other genes were retained as plausible candidates in the two sisters.

NM_005481.3(MED16):c.932T>C (p.Leu311Pro)

Gene: MED16 (mediator complex subunit 16; minus strand). Cytogenetic location: 19p13.3.
Variant type: single nucleotide variant.
Coding change: c.932T>C on transcript NM_005481.3 (MANE Select); coding-DNA position 932, T replaced by C.
Protein change: p.Leu311Pro; replaces leucine 311 with proline.
Molecular consequence: missense variant.
Genome position (GRCh38, 1-based): chr19:884,956, A>G on the plus strand (T>C on the coding strand, the complement: MED16 is on the minus strand). VCF-style: chr19-884956-A-G. GRCh37 (hg19) VCF-style: chr19-884956-A-G.
Other names: short protein forms L311P.
Identifiers: ClinVar variation 3385329 (VCV003385329.2).